The following is an entry in ClinVar:

NM_000263.4(NAGLU):c.1460dup (p.His487fs)

Gene: NAGLU (N-acetyl-alpha-glucosaminidase; plus strand). Cytogenetic location: 17q21.2.
Variant type: Duplication.
Coding change: c.1460dup on transcript NM_000263.4 (MANE Select); coding-DNA position 1460, one base duplicated (A; older notation c.1460dupA).
Protein change: p.His487fs; shifts the reading frame from histidine 487.
Molecular consequence: frameshift variant.
Genome position (GRCh38, 1-based): chr17:42,543,466, A duplicated. VCF-style (leftmost placement, unchanged base first): chr17-42543465-C-CA. GRCh37 (hg19) VCF-style: chr17-40695483-C-CA.
Other names: c.1460dup (NM_000263.3); short protein forms H487fs.
Identifiers: ClinVar variation 1362789 (VCV001362789.9), dbSNP rs2143110493, ClinGen allele CA913012293.

ClinVar aggregate classification (germline): Pathogenic/Likely pathogenic. Review status: criteria provided, multiple submitters, no conflicts (2 of 4 stars). 2 submissions from 2 submitters: Pathogenic (1); Likely pathogenic (1). Last evaluated 2025-12-15.

Conditions:
Charcot-Marie-Tooth disease axonal type 2V. Also called: CHARCOT-MARIE-TOOTH NEUROPATHY, TYPE 2V; CHARCOT-MARIE-TOOTH DISEASE, AXONAL, AUTOSOMAL DOMINANT, TYPE 2V. Identifiers: Orphanet 447964, MedGen C5569050, MONDO:0014665, OMIM 616491.
Mucopolysaccharidosis, MPS-III-B (MPS3B). Also called: MPS IIIB (Sanfilippo Syndrome Type B); N-ACETYL-ALPHA-D-GLUCOSAMINIDASE DEFICIENCY; NAGLU DEFICIENCY; MUCOPOLYSACCHARIDOSIS, TYPE IIIB; Mucopolysaccharidosis type IIIB (Sanfilippo B); SANFILIPPO SYNDROME B. Identifiers: Orphanet 79270, MedGen C0086648, MONDO:0009656, OMIM 252920.

Submissions (2):

Natera, Inc.
Classification: Likely pathogenic for Mucopolysaccharidosis type IIIB. Last evaluated: 2025-12-15. Review status: criteria provided, single submitter. Criteria: Natera Variant Classification Schema (03/2026). Collection method: clinical testing. Allele origin: germline.
Comment: The c.1460dup variant in NAGLU is a frameshift variant predicted to shift the reading frame beginning at codon 487 and leads to a stop codon 29 codons downstream. This variant is expected to result in nonsense mediated decay, truncation, or a dysfunctional protein product. This variant is rare in the general population with a frequency below the threshold expected for the associated phenotype(s). Given the available evidence, this variant is classified as Likely Pathogenic.

Labcorp Genetics (formerly Invitae), Labcorp
Classification: Pathogenic for Charcot-Marie-Tooth disease axonal type 2V; Mucopolysaccharidosis, MPS-III-B. Last evaluated: 2021-04-16. Review status: criteria provided, single submitter. Criteria: Invitae Variant Classification Sherloc (09022015). Collection method: clinical testing. Allele origin: germline.
Comment: For these reasons, this variant has been classified as Pathogenic. This variant disrupts the C-terminus of the NAGLU protein. Other variant(s) that disrupt this region (p.Gln706*) have been determined to be pathogenic (PMID: 9443875). This suggests that variants that disrupt this region of the protein are likely to be causative of disease. This sequence change creates a premature translational stop signal (p.His487Glnfs*29) in the NAGLU gene. While this is not anticipated to result in nonsense mediated decay, it is expected to disrupt the last 257 amino acid(s) of the NAGLU protein. This variant is not present in population databases (ExAC no frequency). This variant has not been reported in the literature in individuals with NAGLU-related conditions.

Literature cited by the submitters: PubMed 9443875 (cited by Labcorp Genetics (formerly Invitae), Labcorp).